The following is an entry in ClinVar:

NM_020754.4(ARHGAP31):c.359C>G (p.Ser120Trp)

Gene: ARHGAP31 (Rho GTPase activating protein 31; plus strand). Cytogenetic location: 3q13.33.
Variant type: single nucleotide variant.
Coding change: c.359C>G on transcript NM_020754.4 (MANE Select); coding-DNA position 359, C replaced by G.
Protein change: p.Ser120Trp; replaces serine 120 with tryptophan.
Molecular consequence: missense variant.
Genome position (GRCh38, 1-based): chr3:119,380,914, C>G. VCF-style: chr3-119380914-C-G. GRCh37 (hg19) VCF-style: chr3-119099761-C-G.
Other names: short protein forms S120W.
Identifiers: ClinVar variation 4767373 (VCV004767373.1).
Genomic context (GRCh38, chr3:119,380,914, plus strand): 5'-TGTCCCTGCTCTCAAGCACTCACCAGGCTGCCTTGTGTTCTTCTCCACAGGAGGCAGTGT[C>G]GCATTGCCCTGAAGAAGGCCAACTGGCCCGAATCCAAAATGTTATCCAGGAGCTTCCTCC-3'
Protein context (NP_065805.2, residues 110-130): ELYEKFTEAV[Ser120Trp]HCPEEGQLAR

ClinVar aggregate classification (germline): Uncertain significance (1 of 4 stars; one submission).

Submission:

Labcorp Genetics (formerly Invitae), Labcorp
Classification: Uncertain significance. Last evaluated: 2025-06-27. Review status: criteria provided, single submitter. Criteria: Invitae Variant Classification Sherloc (09022015). Collection method: clinical testing. Allele origin: germline.
Comment: This sequence change replaces serine, which is neutral and polar, with tryptophan, which is neutral and slightly polar, at codon 120 of the ARHGAP31 protein (p.Ser120Trp). This variant is not present in population databases (gnomAD no frequency). This variant has not been reported in the literature in individuals affected with ARHGAP31-related conditions. An algorithm developed to predict the effect of missense changes on protein structure and function (PolyPhen-2) suggests that this variant is likely to be disruptive. In summary, the available evidence is currently insufficient to determine the role of this variant in disease. Therefore, it has been classified as a Variant of Uncertain Significance.